The following is an entry in ClinVar:

ClinVar aggregate classification (germline): Uncertain significance. Review status: criteria provided, multiple submitters, no conflicts (2 of 4 stars). 5 submissions from 5 submitters: Uncertain significance (5). Last evaluated 2026-08-06.

Conditions:
Hereditary cancer-predisposing syndrome. Also called: Neoplastic Syndromes, Hereditary; Hereditary Cancer Syndrome; Tumor predisposition; Hereditary neoplastic syndrome. Identifiers: Orphanet 140162, MedGen C0027672, MeSH D009386, MONDO:0015356.
Juvenile polyposis syndrome (JPS). Identifiers: Orphanet 2929, MedGen C0345893, MONDO:0017380, OMIM 174900.

Submissions (5):

OLLIN Analises Genomicas, OLLIN
Classification: Uncertain significance. Last evaluated: 2026-08-06. Review status: criteria provided, single submitter. Criteria: ACMG Guidelines 2015 PMID 25741868. Collection method: clinical testing. Allele origin: germline.
Comment: This missense variant, located in exon 7 (of 13), is absent from gnomAD and has not been identified in the literature. However, it has been reported in ClinVar (accession VCV000847294.14). In silico analysis predicts that this variant has a tolerated effect. According to the currently available evidence, this variant has been classified as uncertain significance (PM2_P, BP4_M).

CeGaT Center for Human Genetics Tuebingen
Classification: Uncertain significance. Last evaluated: 2026-06-01. Review status: criteria provided, single submitter. Criteria: CeGaT Center For Human Genetics Tuebingen Variant Classification Criteria Version 2. Collection method: clinical testing. Allele origin: germline. Affected: yes. Observed: 1 variant allele.
Comment: BMPR1A: PM2, BP4

Ambry Genetics
Classification: Uncertain significance for Hereditary cancer-predisposing syndrome. Last evaluated: 2025-08-31. Review status: criteria provided, single submitter. Criteria: Ambry Variant Classification Scheme 2023. Collection method: clinical testing. Allele origin: germline.
Comment: The p.S171F variant (also known as c.512C>T), located in coding exon 5 of the BMPR1A gene, results from a C to T substitution at nucleotide position 512. The serine at codon 171 is replaced by phenylalanine, an amino acid with highly dissimilar properties. This amino acid position is conserved. In addition, this alteration is predicted to be tolerated by in silico analysis. Based on the available evidence, the clinical significance of this variant remains unclear.

Color Diagnostics, LLC DBA Color Health
Classification: Uncertain significance for Hereditary cancer-predisposing syndrome. Last evaluated: 2023-12-05. Review status: criteria provided, single submitter. Criteria: ACMG Guidelines, 2015. Collection method: clinical testing. Allele origin: germline.
Comment: This missense variant replaces serine with phenylalanine at codon 171 of the BMPR1A protein. Computational prediction suggests that this variant may not impact protein structure and function (internally defined REVEL score threshold <= 0.5, PMID: 27666373). To our knowledge, functional studies have not been reported for this variant. This variant has not been reported in individuals affected with BMPR1A-related disorders in the literature. This variant has not been identified in the general population by the Genome Aggregation Database (gnomAD). The available evidence is insufficient to determine the role of this variant in disease conclusively. Therefore, this variant is classified as a Variant of Uncertain Significance.

Labcorp Genetics (formerly Invitae), Labcorp
Classification: Uncertain significance for Juvenile polyposis syndrome. Last evaluated: 2021-08-27. Review status: criteria provided, single submitter. Criteria: Invitae Variant Classification Sherloc (09022015). Collection method: clinical testing. Allele origin: germline.
Comment: This variant is not present in population databases (ExAC no frequency). In summary, the available evidence is currently insufficient to determine the role of this variant in disease. Therefore, it has been classified as a Variant of Uncertain Significance. Algorithms developed to predict the effect of missense changes on protein structure and function output the following: SIFT: "Tolerated"; PolyPhen-2: "Benign"; Align-GVGD: "Class C0". The phenylalanine amino acid residue is found in multiple mammalian species, suggesting that this missense change does not adversely affect protein function. These predictions have not been confirmed by published functional studies and their clinical significance is uncertain. This variant has not been reported in the literature in individuals with BMPR1A-related conditions. ClinVar contains an entry for this variant (Variation ID: 630447). This sequence change replaces serine with phenylalanine at codon 171 of the BMPR1A protein (p.Ser171Phe). The serine residue is moderately conserved and there is a large physicochemical difference between serine and phenylalanine.

NM_004329.3(BMPR1A):c.512C>T (p.Ser171Phe)

Gene: BMPR1A (bone morphogenetic protein receptor type 1A; plus strand). Cytogenetic location: 10q23.2.
Variant type: single nucleotide variant.
Coding change: c.512C>T on transcript NM_004329.3 (MANE Select); coding-DNA position 512, C replaced by T.
Protein change: p.Ser171Phe; replaces serine 171 with phenylalanine.
Molecular consequence: missense variant.
Genome position (GRCh38, 1-based): chr10:86,900,108, C>T. VCF-style: chr10-86900108-C-T. GRCh37 (hg19) VCF-style: chr10-88659865-C-T.
Other names: short protein forms S171F.
Identifiers: ClinVar variation 630447 (VCV000630447.19), dbSNP rs781286980, ClinGen allele CA377450672.